The following is an entry in ClinVar:

NM_004086.3(COCH):c.630-9T>C

Genes: COCH-AS1 (COCH antisense RNA 1; minus strand), COCH (cochlin; plus strand). Cytogenetic location: 14q12.
Variant type: single nucleotide variant.
Coding change: c.630-9T>C on transcript NM_004086.3 (MANE Select); 9 bases into the intron before coding-DNA position 630, T replaced by C.
Molecular consequence: intron variant. On other transcripts: non-coding transcript variant (1).
Genome position (GRCh38, 1-based): chr14:30,884,544, T>C. VCF-style: chr14-30884544-T-C. GRCh37 (hg19) VCF-style: chr14-31353750-T-C.
Other names: c.825-9T>C (NM_001347720.2); c.630-9T>C (NM_001135058.2, NM_001135058.1).
Identifiers: ClinVar variation 313001 (VCV000313001.19), dbSNP rs368182881, ClinGen allele CA7143115.

ClinVar aggregate classification (germline): Benign/Likely benign. Review status: criteria provided, multiple submitters, no conflicts (2 of 4 stars). 4 submissions from 4 submitters: Benign (2); Likely benign (1). 1 of the submissions does not count toward it. Last evaluated 2024-09-28.

Conditions:
COCH-related disorder. Also called: COCH-related condition.
Autosomal dominant nonsyndromic hearing loss 9. Identifiers: Orphanet 90635, MedGen C1832425, MONDO:0011058, OMIM 601369.

Allele frequency attached by ClinVar (database versions not stated): gnomAD 0.00002 and 0.00047; TOPMed 0.00008; gnomAD exomes 0.00076 and 0.00158; ExAC 0.00189; 1000 Genomes Project 0.00319; 1000 Genomes Project 30x 0.00344.
gnomAD v4.1: 1,160 of 1,570,184 alleles (0.074%); highest among the groups gnomAD compares: South Asian, 1.2%; 20 homozygotes.

Submissions (4):

Labcorp Genetics (formerly Invitae), Labcorp
Classification: Benign. Last evaluated: 2024-09-28. Review status: criteria provided, single submitter. Criteria: Invitae Variant Classification Sherloc (09022015). Collection method: clinical testing. Allele origin: germline.

GeneDx
Classification: Likely benign. Last evaluated: 2021-11-05. Review status: criteria provided, single submitter. Criteria: GeneDx Variant Classification Process June 2021. Collection method: clinical testing. Allele origin: germline. Affected: yes.

Illumina Laboratory Services, Illumina
Classification: Benign for Autosomal dominant nonsyndromic hearing loss 9. Last evaluated: 2018-01-12. Review status: criteria provided, single submitter. Criteria: ICSL Variant Classification Criteria 13 December 2019. Collection method: clinical testing. Allele origin: germline.
Comment: This variant was observed in the ICSL laboratory as part of a predisposition screen in an ostensibly healthy population. It had not been previously curated by ICSL or reported in the Human Gene Mutation Database (HGMD: prior to June 1st, 2018), and was therefore a candidate for classification through an automated scoring system. Utilizing variant allele frequency, disease prevalence and penetrance estimates, and inheritance mode, an automated score was calculated to assess if this variant is too frequent to cause the disease. Based on the score and internal cut-off values, a variant classified as benign is not then subjected to further curation. The score for this variant resulted in a classification of benign for this disease.

PreventionGenetics, part of Exact Sciences
Classification: Benign for COCH-related condition. Last evaluated: 2024-02-10. Review status: no assertion criteria provided. Collection method: clinical testing. Allele origin: germline. Not counted in ClinVar's aggregate classification.
Comment: This variant is classified as benign based on ACMG/AMP sequence variant interpretation guidelines (Richards et al. 2015 PMID: 25741868, with internal and published modifications).